The following is an entry in ClinVar:

ClinVar aggregate classification (germline): Uncertain significance (1 of 4 stars; one submission).

Submission:

GeneDx
Classification: Uncertain significance. Last evaluated: 2019-11-01. Review status: criteria provided, single submitter. Criteria: GeneDx Variant Classification Process June 2021. Collection method: clinical testing. Allele origin: germline. Affected: yes.
Comment: Not observed in large population cohorts (Lek et al., 2016); In silico analysis, which includes protein predictors and evolutionary conservation, supports a deleterious effect; Has not been previously published as pathogenic or benign to our knowledge

NM_005120.3(MED12):c.4442T>C (p.Phe1481Ser)

Gene: MED12 (mediator complex subunit 12; plus strand). Cytogenetic location: Xq13.1.
Variant type: single nucleotide variant.
Coding change: c.4442T>C on transcript NM_005120.3 (MANE Select); coding-DNA position 4442, T replaced by C.
Protein change: p.Phe1481Ser; replaces phenylalanine 1481 with serine.
Molecular consequence: missense variant.
Genome position (GRCh38, 1-based): chrX:71,132,871, T>C. VCF-style: chrX-71132871-T-C. GRCh37 (hg19) VCF-style: chrX-70352721-T-C.
Other names: short protein forms F1481S.
Identifiers: ClinVar variation 1309392 (VCV001309392.2), dbSNP rs2147816845, ClinGen allele CA413527608.